The following is an entry in ClinVar:

NM_003850.3(SUCLA2):c.460C>G (p.Gln154Glu)

Gene: SUCLA2 (succinate-CoA ligase ADP-forming subunit beta; minus strand). Cytogenetic location: 13q14.2.
Variant type: single nucleotide variant.
Coding change: c.460C>G on transcript NM_003850.3 (MANE Select); coding-DNA position 460, C replaced by G.
Protein change: p.Gln154Glu; replaces glutamine 154 with glutamic acid.
Molecular consequence: missense variant.
Genome position (GRCh38, 1-based): chr13:47,988,615, G>C on the plus strand (C>G on the coding strand, the complement: SUCLA2 is on the minus strand). VCF-style: chr13-47988615-G-C. GRCh37 (hg19) VCF-style: chr13-48562750-G-C.
Other names: short protein forms Q154E.
Identifiers: ClinVar variation 1945254 (VCV001945254.4), dbSNP rs1950124340, ClinGen allele CA388150579.

ClinVar aggregate classification (germline): Uncertain significance (1 of 4 stars; one submission).

Conditions:
Mitochondrial DNA depletion syndrome, encephalomyopathic form with methylmalonic aciduria (MTDPS5). Also called: SUCLA2-Related Mitochondrial DNA Depletion Syndrome, Encephalomyopathic Form with Methylmalonic Aciduria; Mitochondrial encephalomyopathy aminoacidopathy; MITOCHONDRIAL DNA DEPLETION SYNDROME, ENCEPHALOMYOPATHIC FORM, WITH OR WITHOUT METHYLMALONIC ACIDURIA, AUTOSOMAL RECESSIVE, SUCLA2-RELATED; Mitochondrial DNA depletion syndrome 5 (encephalomyopathic with or without methylmalonic aciduria). Identifiers: Orphanet 1933, MedGen C5980207, MONDO:0012791, OMIM 612073.

Allele frequency attached by ClinVar (database versions not stated): gnomAD exomes below 0.00001.
gnomAD v4.1: 6 of 1,613,956 alleles (0.00037%); highest among the groups gnomAD compares: Non-Finnish European, 0.00051%; no homozygotes.

Submission:

Labcorp Genetics (formerly Invitae), Labcorp
Classification: Uncertain significance for Mitochondrial DNA depletion syndrome, encephalomyopathic form with methylmalonic aciduria. Last evaluated: 2022-04-19. Review status: criteria provided, single submitter. Criteria: Invitae Variant Classification Sherloc (09022015). Collection method: clinical testing. Allele origin: germline.
Comment: This variant is not present in population databases (gnomAD no frequency). This sequence change replaces glutamine, which is neutral and polar, with glutamic acid, which is acidic and polar, at codon 154 of the SUCLA2 protein (p.Gln154Glu). This variant has not been reported in the literature in individuals affected with SUCLA2-related conditions. In summary, the available evidence is currently insufficient to determine the role of this variant in disease. Therefore, it has been classified as a Variant of Uncertain Significance. Algorithms developed to predict the effect of missense changes on protein structure and function (SIFT, PolyPhen-2, Align-GVGD) all suggest that this variant is likely to be tolerated.